The following is an entry in ClinVar:

NM_000169.3(GLA):c.285G>C (p.Trp95Cys)

Genes: GLA (galactosidase alpha; minus strand), RPL36A-HNRNPH2 (RPL36A-HNRNPH2 readthrough; plus strand). Cytogenetic location: Xq22.1.
Variant type: single nucleotide variant.
Coding change: c.285G>C on transcript NM_000169.3 (MANE Select); coding-DNA position 285, G replaced by C.
Protein change: p.Trp95Cys; replaces tryptophan 95 with cysteine.
Molecular consequence: missense variant. On other transcripts: non-coding transcript variant (3), intron variant (2).
Genome position (GRCh38, 1-based): chrX:101,403,895, C>G on the plus strand (G>C on the coding strand, the complement: GLA is on the minus strand). VCF-style: chrX-101403895-C-G. GRCh37 (hg19) VCF-style: chrX-100658883-C-G.
Other names: c.408G>C, p.Trp136Cys (NM_001406747.1, NM_001406749.1); c.285G>C, p.Trp95Cys (NM_001406748.1); c.301-8041C>G (NM_001199973.2); c.178-8041C>G (NM_001199974.2); short protein forms W95C, W136C.
Identifiers: ClinVar variation 2748978 (VCV002748978.3), dbSNP rs886044900, ClinGen allele CA413933653.

ClinVar aggregate classification (germline): Uncertain significance (1 of 4 stars; one submission).

Conditions:
Fabry disease. Also called: Fabry's disease; ALPHA-GALACTOSIDASE A DEFICIENCY; ANDERSON-FABRY DISEASE; CERAMIDE TRIHEXOSIDASE DEFICIENCY; GLA DEFICIENCY; HEREDITARY DYSTOPIC LIPIDOSIS. Identifiers: Orphanet 324, MedGen C0002986, MONDO:0010526, OMIM 301500, HP:0001071. Disease mechanism: Fabry disease is due to inactivating mutations in the X-linked GLA gene resulting in deficiency of the enzyme Alpha Galactosidase-A., loss of function.

Submission:

Labcorp Genetics (formerly Invitae), Labcorp
Classification: Uncertain significance for Fabry disease. Last evaluated: 2023-08-01. Review status: criteria provided, single submitter. Criteria: Invitae Variant Classification Sherloc (09022015). Collection method: clinical testing. Allele origin: germline.
Comment: This sequence change replaces tryptophan, which is neutral and slightly polar, with cysteine, which is neutral and slightly polar, at codon 95 of the GLA protein (p.Trp95Cys). This variant is not present in population databases (gnomAD no frequency). This variant has not been reported in the literature in individuals affected with GLA-related conditions. Advanced modeling of protein sequence and biophysical properties (such as structural, functional, and spatial information, amino acid conservation, physicochemical variation, residue mobility, and thermodynamic stability) performed at Invitae indicates that this missense variant is expected to disrupt GLA protein function. This variant disrupts the p.Trp95 amino acid residue in GLA. Other variant(s) that disrupt this residue have been observed in individuals with GLA-related conditions (PMID: 10916280, 25865499, 33301762), which suggests that this may be a clinically significant amino acid residue. In summary, the available evidence is currently insufficient to determine the role of this variant in disease. Therefore, it has been classified as a Variant of Uncertain Significance.

Literature cited by the submitters: PubMed 10916280; PubMed 25865499; PubMed 33301762.